The following is an entry in ClinVar:

ClinVar aggregate classification (germline): Uncertain significance (1 of 4 stars; one submission).

Conditions:
Fanconi anemia complementation group J. Also called: BRIP1-Related Fanconi Anemia. Identifiers: Orphanet 84, MedGen C1836860, MONDO:0012187, OMIM 609054.
Familial cancer of breast. Also called: BREAST CANCER, FAMILIAL; Hereditary breast cancer; hereditary breast carcinoma. Identifiers: Orphanet 227535, MedGen C0346153, MONDO:0016419, OMIM 114480. Disease mechanism: loss of function.

Submission:

Labcorp Genetics (formerly Invitae), Labcorp
Classification: Uncertain significance for Familial cancer of breast; Fanconi anemia complementation group J. Last evaluated: 2024-11-27. Review status: criteria provided, single submitter. Criteria: Invitae Variant Classification Sherloc (09022015). Collection method: clinical testing. Allele origin: germline.
Comment: This sequence change replaces glutamic acid, which is acidic and polar, with glutamine, which is neutral and polar, at codon 1039 of the BRIP1 protein (p.Glu1039Gln). This variant is not present in population databases (gnomAD no frequency). This variant has not been reported in the literature in individuals affected with BRIP1-related conditions. Invitae Evidence Modeling of protein sequence and biophysical properties (such as structural, functional, and spatial information, amino acid conservation, physicochemical variation, residue mobility, and thermodynamic stability) indicates that this missense variant is not expected to disrupt BRIP1 protein function with a negative predictive value of 95%. In summary, the available evidence is currently insufficient to determine the role of this variant in disease. Therefore, it has been classified as a Variant of Uncertain Significance.

NM_032043.3(BRIP1):c.3115G>C (p.Glu1039Gln)

Gene: BRIP1 (BRCA1 interacting DNA helicase 1; minus strand). Cytogenetic location: 17q23.2.
Variant type: single nucleotide variant.
Coding change: c.3115G>C on transcript NM_032043.3 (MANE Select); coding-DNA position 3115, G replaced by C.
Protein change: p.Glu1039Gln; replaces glutamic acid 1039 with glutamine.
Molecular consequence: missense variant.
Genome position (GRCh38, 1-based): chr17:61,683,931, C>G on the plus strand (G>C on the coding strand, the complement: BRIP1 is on the minus strand). VCF-style: chr17-61683931-C-G. GRCh37 (hg19) VCF-style: chr17-59761292-C-G.
Other names: short protein forms E1039Q.
Identifiers: ClinVar variation 3759040 (VCV003759040.2).